The following is an entry in ClinVar:

NM_002691.4(POLD1):c.991_992del (p.Arg331fs)

Gene: POLD1 (DNA polymerase delta 1, catalytic subunit; plus strand). Cytogenetic location: 19q13.33.
Variant type: Deletion.
Coding change: c.991_992del on transcript NM_002691.4 (MANE Select); coding-DNA positions 991 to 992, 2 bases deleted (CG; older notation c.991_992delCG).
Protein change: p.Arg331fs; shifts the reading frame from arginine 331.
Molecular consequence: frameshift variant. On other transcripts: non-coding transcript variant (1).
Genome position (GRCh38, 1-based): chr19:50,403,073-50,403,074, CG deleted; deleting any 2 consecutive bases within chr19:50,403,072-50,403,074 gives the same sequence; the c. name uses the placement nearest the transcript's 3' end. VCF-style (leftmost placement, unchanged base first): chr19-50403071-AGC-A. GRCh37 (hg19) VCF-style: chr19-50906328-AGC-A.
Other names: c.991_992del, p.Arg331fs (NM_001438213.1, NM_001256849.1, NM_001308632.1 and 3 more transcripts); short protein forms R331fs.
Identifiers: ClinVar variation 4843009 (VCV004843009.1).

ClinVar aggregate classification (germline): Uncertain significance (1 of 4 stars; one submission).

Conditions:
Hereditary cancer-predisposing syndrome. Also called: Neoplastic Syndromes, Hereditary; Tumor predisposition; Hereditary Cancer Syndrome; Hereditary neoplastic syndrome. Identifiers: Orphanet 140162, MedGen C0027672, MeSH D009386, MONDO:0015356.

Submission:

Ambry Genetics
Classification: Uncertain significance for Hereditary cancer-predisposing syndrome. Last evaluated: 2026-01-15. Review status: criteria provided, single submitter. Criteria: Ambry Variant Classification Scheme 2023. Collection method: clinical testing. Allele origin: germline.
Comment: The c.991_992delCG variant, located in coding exon 8 of the POLD1 gene, results from a deletion of two nucleotides at nucleotide positions 991 to 992, causing a translational frameshift with a predicted alternate stop codon (p.R331Gfs*303). This alteration is expected to result in protein truncation or nonsense-mediated mRNA decay. However, loss of function of POLD1 has not been established as a mechanism of disease. Based on the available evidence, the clinical significance of this alteration remains unclear.